The following is an entry in ClinVar:

ClinVar aggregate classification (germline): Uncertain significance. Review status: criteria provided, multiple submitters, no conflicts (2 of 4 stars). 2 submissions from 2 submitters: Uncertain significance (2). Last evaluated 2025-08-25.

Conditions:
Inborn genetic diseases. Identifiers: MedGen C0950123, MeSH D030342.

gnomAD v4.1: 4 of 1,613,744 alleles (0.00025%); highest among the groups gnomAD compares: Non-Finnish European, 0.00034%; no homozygotes.

Submissions (2):

Ambry Genetics
Classification: Uncertain significance for Inborn genetic diseases. Last evaluated: 2025-08-25. Review status: criteria provided, single submitter. Criteria: Ambry Variant Classification Scheme 2023. Collection method: clinical testing. Allele origin: germline.

Labcorp Genetics (formerly Invitae), Labcorp
Classification: Uncertain significance. Last evaluated: 2025-03-22. Review status: criteria provided, single submitter. Criteria: Invitae Variant Classification Sherloc (09022015). Collection method: clinical testing. Allele origin: germline.
Comment: This sequence change replaces glycine, which is neutral and non-polar, with valine, which is neutral and non-polar, at codon 914 of the MYO18B protein (p.Gly914Val). This variant is not present in population databases (gnomAD no frequency). This variant has not been reported in the literature in individuals affected with MYO18B-related conditions. An algorithm developed to predict the effect of missense changes on protein structure and function (PolyPhen-2) suggests that this variant is likely to be disruptive. In summary, the available evidence is currently insufficient to determine the role of this variant in disease. Therefore, it has been classified as a Variant of Uncertain Significance.

NM_032608.7(MYO18B):c.2741G>T (p.Gly914Val)

Gene: MYO18B (myosin XVIIIB; plus strand). Cytogenetic location: 22q12.1.
Variant type: single nucleotide variant.
Coding change: c.2741G>T on transcript NM_032608.7 (MANE Select); coding-DNA position 2741, G replaced by T.
Protein change: p.Gly914Val; replaces glycine 914 with valine.
Molecular consequence: missense variant.
Genome position (GRCh38, 1-based): chr22:25,826,454, G>T. VCF-style: chr22-25826454-G-T. GRCh37 (hg19) VCF-style: chr22-26222421-G-T.
Other names: c.2741G>T, p.Gly914Val (NM_001318245.2); short protein forms G914V.
Identifiers: ClinVar variation 4115314 (VCV004115314.2).